The following is an entry in ClinVar:

NM_000465.4(BARD1):c.2127A>G (p.Pro709=)

Gene: BARD1 (BRCA1 associated RING domain 1; minus strand). Cytogenetic location: 2q35.
Variant type: single nucleotide variant.
Coding change: c.2127A>G on transcript NM_000465.4 (MANE Select); coding-DNA position 2127, A replaced by G.
Protein change: p.Pro709=; no amino-acid change (proline 709 retained).
Molecular consequence: synonymous variant. On other transcripts: non-coding transcript variant (3).
Genome position (GRCh38, 1-based): chr2:214,728,883, T>C on the plus strand (A>G on the coding strand, the complement: BARD1 is on the minus strand). VCF-style: chr2-214728883-T-C. GRCh37 (hg19) VCF-style: chr2-215593607-T-C.
Other names: c.2070A>G, p.Pro690= (NM_001282543.2); c.774A>G, p.Pro258= (NM_001282545.2); c.717A>G, p.Pro239= (NM_001282548.2); c.588A>G, p.Pro196= (NM_001282549.2).
Identifiers: ClinVar variation 820770 (VCV000820770.10), dbSNP rs1574703232, ClinGen allele CA431393616.

ClinVar aggregate classification (germline): Benign/Likely benign. Review status: criteria provided, multiple submitters, no conflicts (2 of 4 stars). 3 submissions from 3 submitters: Benign (1); Likely benign (2). Last evaluated 2024-07-29.

Conditions:
Hereditary cancer-predisposing syndrome. Also called: Neoplastic Syndromes, Hereditary; Tumor predisposition; Hereditary Cancer Syndrome; Hereditary neoplastic syndrome. Identifiers: Orphanet 140162, MedGen C0027672, MeSH D009386, MONDO:0015356.
Familial cancer of breast. Also called: BREAST CANCER, FAMILIAL; Hereditary breast cancer; hereditary breast carcinoma. Identifiers: Orphanet 227535, MedGen C0346153, MONDO:0016419, OMIM 114480. Disease mechanism: loss of function.

Submissions (3):

Myriad Genetics, Inc.
Classification: Benign for Familial cancer of breast. Last evaluated: 2024-07-29. Review status: criteria provided, single submitter. Criteria: Myriad Autosomal Dominant, Autosomal Recessive and X-Linked Classification Criteria (2023). Collection method: clinical testing. Allele origin: unknown.
Comment: This variant is considered benign. This variant is a silent/synonymous amino acid change and it is not expected to impact splicing.

Labcorp Genetics (formerly Invitae), Labcorp
Classification: Likely benign for Familial cancer of breast. Last evaluated: 2022-05-10. Review status: criteria provided, single submitter. Criteria: Invitae Variant Classification Sherloc (09022015). Collection method: clinical testing. Allele origin: germline.

Ambry Genetics
Classification: Likely benign for Hereditary cancer-predisposing syndrome. Last evaluated: 2019-02-13. Review status: criteria provided, single submitter. Criteria: Ambry Variant Classification Scheme 2023. Collection method: clinical testing. Allele origin: germline.